The following is an entry in ClinVar:

ClinVar aggregate classification (germline): Uncertain significance (1 of 4 stars; one submission).

Allele frequency attached by ClinVar (database versions not stated): gnomAD exomes below 0.00001; ExAC 0.00001.
gnomAD v4.1: 3 of 1,614,226 alleles (0.00019%); highest among the groups gnomAD compares: South Asian, 0.0033%; no homozygotes.

Submission:

Ambry Genetics
Classification: Uncertain significance. Last evaluated: 2022-02-22. Review status: criteria provided, single submitter. Criteria: Ambry Variant Classification Scheme 2023. Collection method: clinical testing. Allele origin: germline.
Comment: The p.L215V variant (also known as c.643C>G), located in coding exon 1 of the PALLD gene, results from a C to G substitution at nucleotide position 643. The leucine at codon 215 is replaced by valine, an amino acid with highly similar properties. This amino acid position is conserved. In addition, this alteration is predicted to be tolerated by in silico analysis. Since supporting evidence is limited at this time, the clinical significance of this alteration remains unclear.

NM_001166108.2(PALLD):c.643C>G (p.Leu215Val)

Gene: PALLD (palladin, cytoskeletal associated protein; plus strand). Cytogenetic location: 4q32.3.
Variant type: single nucleotide variant.
Coding change: c.643C>G on transcript NM_001166108.2 (MANE Select); coding-DNA position 643, C replaced by G.
Protein change: p.Leu215Val; replaces leucine 215 with valine.
Molecular consequence: missense variant.
Genome position (GRCh38, 1-based): chr4:168,512,147, C>G. VCF-style: chr4-168512147-C-G. GRCh37 (hg19) VCF-style: chr4-169433298-C-G.
Other names: c.643C>G, p.Leu215Val (NM_016081.4); short protein forms L215V.
Identifiers: ClinVar variation 1753526 (VCV001753526.2), dbSNP rs763918118, ClinGen allele CA3135405.